The following is an entry in ClinVar:

ClinVar aggregate classification (germline): Pathogenic/Likely pathogenic. Review status: criteria provided, multiple submitters, no conflicts (2 of 4 stars). 3 submissions from 3 submitters: Pathogenic (1); Likely pathogenic (2). Last evaluated 2026-01-25.

Conditions:
FBXL4-related disorder. Also called: FBXL4-related condition.
Mitochondrial DNA depletion syndrome 13. Also called: Mitochondrial DNA depletion syndrome 13 (encephalomyopathic type); FBXL4-Related Encephalomyopathic Mitochondrial DNA Depletion Syndrome. Identifiers: Orphanet 369897, MedGen C3809592, MONDO:0014198, OMIM 615471.

Allele frequency attached by ClinVar (database versions not stated): gnomAD exomes below 0.00001 and 0.00001; ExAC 0.00001.
gnomAD v4.1: 9 of 1,614,136 alleles (0.00056%); highest among the groups gnomAD compares: South Asian, 0.0077%; no homozygotes.

Submissions (3):

Labcorp Genetics (formerly Invitae), Labcorp
Classification: Pathogenic. Last evaluated: 2026-01-25. Review status: criteria provided, single submitter. Criteria: Invitae Variant Classification Sherloc (09022015). Collection method: clinical testing. Allele origin: germline.
Comment: This sequence change creates a premature translational stop signal (p.Gln124*) in the FBXL4 gene. It is expected to result in an absent or disrupted protein product. Loss-of-function variants in FBXL4 are known to be pathogenic (PMID: 23993193, 23993194, 25868664). This variant is present in population databases (rs761974928, gnomAD 0.0009%). This premature translational stop signal has been observed in individual(s) with clinical features of mitochondrial DNA depletion syndrome (PMID: 38465286). ClinVar contains an entry for this variant (Variation ID: 437565). For these reasons, this variant has been classified as Pathogenic.

Blueprint Genetics
Classification: Likely pathogenic for FBXL4-related disorders. Last evaluated: 2023-06-29. Review status: criteria provided, single submitter. Criteria: ACMG Guidelines, 2015. Collection method: clinical testing. Allele origin: germline. Affected: yes. Observed: 2 variant alleles.

Wong Mito Lab, Molecular and Human Genetics, Baylor College of Medicine
Classification: Likely pathogenic for Mitochondrial DNA depletion syndrome 13. Last evaluated: 2017-08-10. Review status: criteria provided, single submitter. Criteria: ACMG Guidelines, 2015. Collection method: reference population. Allele origin: germline.
Comment: The NM_012160.4:c.370C>T (NP_036292.2:p.Gln124Ter) [GRCH38: NC_000006.12:g.98926619G>A] variant in FBXL4 gene is interpretated to be a Likely Pathogenic based on ACMG guidelines (PMID: 25741868). This variant meets one or more of the following evidence codes reported in the ACMG-guideline. PVS1:This variant is a predcted null variant in FBXL4 where loss of function is a known mechanism of disease. PM2:This variant is absent in key population databases. Based on this evidence code ClinGen Pathogenicity Calculator (PMID:28081714) suggested that the variant is Likely Pathogenic.

Literature cited by the submitters: PubMed 23993193 (cited by Labcorp Genetics (formerly Invitae), Labcorp); PubMed 23993194 (cited by Labcorp Genetics (formerly Invitae), Labcorp); PubMed 25868664 (cited by Labcorp Genetics (formerly Invitae), Labcorp); PubMed 38465286 (cited by Labcorp Genetics (formerly Invitae), Labcorp).

NM_001278716.2(FBXL4):c.370C>T (p.Gln124Ter)

Gene: FBXL4 (F-box and leucine rich repeat protein 4; minus strand). Cytogenetic location: 6q16.2.
Variant type: single nucleotide variant.
Coding change: c.370C>T on transcript NM_001278716.2 (MANE Select); coding-DNA position 370, C replaced by T.
Protein change: p.Gln124Ter; replaces glutamine 124 with a stop codon.
Molecular consequence: nonsense. On other transcripts: non-coding transcript variant (2).
Genome position (GRCh38, 1-based): chr6:98,926,619, G>A on the plus strand (C>T on the coding strand, the complement: FBXL4 is on the minus strand). VCF-style: chr6-98926619-G-A. GRCh37 (hg19) VCF-style: chr6-99374495-G-A.
Other names: c.370C>T, p.Gln124Ter (NM_012160.5); short protein forms Q124*.
Identifiers: ClinVar variation 437565 (VCV000437565.3), dbSNP rs761974928, ClinGen allele CA3933702.